The following is an entry in ClinVar:

NM_000168.6(GLI3):c.4431dup (p.Glu1478Ter)

Gene: GLI3 (GLI family zinc finger 3; minus strand). Cytogenetic location: 7p14.1.
Variant type: Duplication.
Coding change: c.4431dup on transcript NM_000168.6 (MANE Select); coding-DNA position 4431, one base duplicated (T; older notation c.4431dupT).
Protein change: p.Glu1478Ter; replaces glutamic acid 1478 with a stop codon.
Molecular consequence: nonsense.
Genome position (GRCh38, 1-based): chr7:41,964,642, A duplicated on the plus strand (T on the coding strand, the reverse complement: GLI3 is on the minus strand). VCF-style (leftmost placement, unchanged base first): chr7-41964641-C-CA. GRCh37 (hg19) VCF-style: chr7-42004239-C-CA.
Other names: c.4431dupT (NM_000168.5); c.4431dup (NM_000168.5); short protein forms E1478*.
Identifiers: ClinVar variation 376814 (VCV000376814.20), dbSNP rs1057520063, ClinGen allele CA16603175.

ClinVar aggregate classification (germline): Pathogenic. Review status: criteria provided, multiple submitters, no conflicts (2 of 4 stars). 9 submissions from 9 submitters: Pathogenic (6). 3 of the submissions do not count toward it. Last evaluated 2025-11-13.

Conditions:
GLI3-related disorder. Also called: GLI3-related disorders; GLI3-related condition. Identifiers: MedGen CN239292.
Pallister-Hall syndrome (PHS). Also called: GLI3-Related Pallister-Hall Syndrome; HYPOTHALAMIC HAMARTOBLASTOMA, HYPOPITUITARISM, IMPERFORATE ANUS, AND POSTAXIAL POLYDACTYLY. Identifiers: Orphanet 672, MedGen C0265220, MONDO:0007804, OMIM 146510.
Greig cephalopolysyndactyly syndrome (GCPS). Also called: POLYSYNDACTYLY WITH PECULIAR SKULL SHAPE; Greig syndrome; GLI3-Related Greig Cephalopolysyndactyly Syndrome. Identifiers: Orphanet 380, MedGen C0265306, MONDO:0008287, OMIM 175700.
Polysyndactyly 4. Also called: Polysyndactyly uncomplicated; Preaxial polydactyly 4. Identifiers: Orphanet 93338, MedGen C1868111, MONDO:0008272, OMIM 174700.

Submissions (9):

GeneDx
Classification: Pathogenic. Last evaluated: 2025-11-13. Review status: criteria provided, single submitter. Criteria: GeneDx Variant Classification Process June 2021. Collection method: clinical testing. Allele origin: germline.
Comment: Nonsense variant predicted to result in protein truncation, as the last 103 amino acids are lost, and other loss-of-function variants have been reported downstream in HGMD; Not observed at significant frequency in large population cohorts (gnomAD); This variant is associated with the following publications: (PMID: 26508445, 24736735, 31399769, 20672375, 40052367, 40550458)

Daryl Scott Lab, Baylor College of Medicine
Classification: Pathogenic for GLI3-related disorder. Last evaluated: 2025-08-25. Review status: criteria provided, single submitter. Criteria: ACMG Guidelines, 2015. Collection method: clinical testing. Allele origin: de novo. Affected: yes. Observed: 1 heterozygote.
Comment: PVS1, PS2, PS4, PM2

Labcorp Genetics (formerly Invitae), Labcorp
Classification: Pathogenic for Pallister-Hall syndrome; Greig cephalopolysyndactyly syndrome. Last evaluated: 2025-02-06. Review status: criteria provided, single submitter. Criteria: Invitae Variant Classification Sherloc (09022015). Collection method: clinical testing. Allele origin: germline.
Comment: This sequence change creates a premature translational stop signal (p.Glu1478*) in the GLI3 gene. While this is not anticipated to result in nonsense mediated decay, it is expected to disrupt the last 103 amino acid(s) of the GLI3 protein. This variant is not present in population databases (gnomAD no frequency). This premature translational stop signal has been observed in individual(s) with clinical features of GLI3-related conditions and/or Greig cephalopolysyndactyly syndrome (PMID: 20672375, 24736735, 26508445, 31399769). ClinVar contains an entry for this variant (Variation ID: 376814). This variant disrupts a region of the GLI3 protein in which other variant(s) (p. Thr1488Lysfs*23) have been determined to be pathogenic (PMID: 24736735). This suggests that this is a clinically significant region of the protein, and that variants that disrupt it are likely to be disease-causing. For these reasons, this variant has been classified as Pathogenic.

HudsonAlpha Institute for Biotechnology
Classification: Pathogenic for Greig cephalopolysyndactyly syndrome. Last evaluated: 2019-06-25. Review status: criteria provided, single submitter. Criteria: ACMG Guidelines, 2015. Collection method: research. Allele origin: unknown. Affected: yes. Observed: 1 variant allele. Study: HudsonAlpha-AGHI-WGS.

Center for Pediatric Genomic Medicine, Children's Mercy Hospital and Clinics
Classification: Pathogenic. Last evaluated: 2016-07-15. Review status: criteria provided, single submitter. Criteria: ACMG Guidelines, 2015. Collection method: clinical testing. Allele origin: de novo.

Ali Lab, Centre for Genetic Disorders, Banaras Hindu University
Classification: Pathogenic for Greig cephalopolysyndactyly syndrome. Last evaluated: 2015-01-13. Review status: criteria provided, single submitter. Criteria: Submitter's publication. Collection method: research. Allele origin: germline. Inheritance: Sporadic. Affected: yes. Observed: 1 variant allele, 1 heterozygote.

Medical Genetics Center, Maternal and Child Health Hospital of Hubei Province
Classification: Pathogenic for Polysyndactyly 4. Last evaluated: 2026-05-14. Review status: no assertion criteria provided. Collection method: clinical testing. Allele origin: de novo. Affected: yes. Not counted in ClinVar's aggregate classification.
Comment: PVS1+PS2+PS4+ PM2_Supporting

Clinical Genetics DNA and cytogenetics Diagnostics Lab, Erasmus MC, Erasmus Medical Center
Classification: Pathogenic. Review status: no assertion criteria provided. Collection method: clinical testing. Allele origin: germline. Affected: yes. Study: VKGL Data-share Consensus. Not counted in ClinVar's aggregate classification.

Diagnostic Laboratory, Department of Genetics, University Medical Center Groningen
Classification: Pathogenic. Review status: no assertion criteria provided. Collection method: clinical testing. Allele origin: germline. Affected: yes. Study: VKGL Data-share Consensus. Not counted in ClinVar's aggregate classification.

Literature cited by the submitters: PubMed 20672375 (cited by Labcorp Genetics (formerly Invitae), Labcorp); PubMed 24736735 (cited by Labcorp Genetics (formerly Invitae), Labcorp and Medical Genetics Center, Maternal and Child Health Hospital of Hubei Province); PubMed 26508445 (cited by Labcorp Genetics (formerly Invitae), Labcorp); PubMed 31399769 (cited by Labcorp Genetics (formerly Invitae), Labcorp and Medical Genetics Center, Maternal and Child Health Hospital of Hubei Province).